The following is an entry in ClinVar:

NM_000133.4(F9):c.1304G>T (p.Cys435Phe)

Gene: F9 (coagulation factor IX; plus strand). Cytogenetic location: Xq27.1.
Variant type: single nucleotide variant.
Coding change: c.1304G>T on transcript NM_000133.4 (MANE Select); coding-DNA position 1304, G replaced by T.
Protein change: p.Cys435Phe; replaces cysteine 435 with phenylalanine.
Molecular consequence: missense variant.
Genome position (GRCh38, 1-based): chrX:139,561,989, G>T. VCF-style: chrX-139561989-G-T. GRCh37 (hg19) VCF-style: chrX-138644148-G-T.
Other names: NM_001313913.2:c.1190G>T; c.1190G>T, p.Cys397Phe (NM_001313913.2); short protein forms C397F, C435F.
Identifiers: ClinVar variation 3242386 (VCV003242386.1), dbSNP rs1385141619.

ClinVar aggregate classification (germline): Uncertain significance (3 of 4 stars; one submission).

Conditions:
Hereditary factor IX deficiency disease (HEMB). Also called: F9 DEFICIENCY; FACTOR IX DEFICIENCY; PLASMA THROMBOPLASTIN COMPONENT DEFICIENCY; Hemophilia B; Christmas Disease. Identifiers: Orphanet 98879, MedGen C0008533, MeSH D002836, MONDO:0010604, OMIM 306900.

Submission:

ClinGen Coagulation Factor Deficiency Variant Curation Expert Panel, Clingen
Classification: Uncertain significance for Hereditary factor IX deficiency disease. Last evaluated: 2024-05-09. Review status: reviewed by expert panel. Criteria: ClinGen CoagFactor ACMG Specifications F9 V1.0.0. Collection method: curation. Allele origin: germline. Inheritance: X-linked inheritance.
Comment: The NM_000133.4:c.1304G> variant in F9 is a missense variant predicted to cause substitution of Cys by Phe at amino acid 435 (p.Cys435Phe). This variant has been reported in 1 proband meeting F9 phenotype criteria (PS4_Supporting; PMID: 19686262). The computational predictor REVEL gives a score of 0.965, which is above the threshold of 0.6, evidence that correlates with impact to F9 function (PP3). Another missense variant c.1304G>A (p.Cys435Tyr) in the same codon has been classified as pathogenic for hemophilia B by the ClinGen Coagulation Factor Deficiency VCEP (PM5). This variant is absent from gnomAD v2, v3 and v4. In summary, this variant meets the criteria to be classified as a variant of uncertain significance for hemophilia B based on the ACMG/AMP criteria applied, as specified by the ClinGen Coagulation Factor Deficiency VCEP: PS4_Supporting, PM2_Supporting, PP3, PM5. (Version 1.0.0, 10/05/2023)